The following is an entry in ClinVar:

NM_003105.6(SORL1):c.3406T>A (p.Tyr1136Asn)

Gene: SORL1 (sortilin related receptor 1; plus strand). Cytogenetic location: 11q24.1.
Variant type: single nucleotide variant.
Coding change: c.3406T>A on transcript NM_003105.6 (MANE Select); coding-DNA position 3406, T replaced by A.
Protein change: p.Tyr1136Asn; replaces tyrosine 1136 with asparagine.
Molecular consequence: missense variant.
Genome position (GRCh38, 1-based): chr11:121,574,309, T>A. VCF-style: chr11-121574309-T-A. GRCh37 (hg19) VCF-style: chr11-121445018-T-A.
Other names: short protein forms Y1136N.
Identifiers: ClinVar variation 3658970 (VCV003658970.2).
Genomic context (GRCh38, chr11:121,574,309, plus strand): 5'-ATCTGTGACCTGGACACCCAGTTTCGTTGCCAGGAGTCTGGGACTTGTATCCCACTGTCC[T>A]ATAAATGTGACCTTGAGGATGACTGTGGAGACAACAGTGATGAAAGTCATTGTGGTAAGG-3'
Protein context (NP_003096.2, residues 1126-1146): QESGTCIPLS[Tyr1136Asn]KCDLEDDCGD

ClinVar aggregate classification (germline): Uncertain significance (1 of 4 stars; one submission).

Submission:

Labcorp Genetics (formerly Invitae), Labcorp
Classification: Uncertain significance. Last evaluated: 2024-07-24. Review status: criteria provided, single submitter. Criteria: Invitae Variant Classification Sherloc (09022015). Collection method: clinical testing. Allele origin: germline.
Comment: This sequence change replaces tyrosine, which is neutral and polar, with asparagine, which is neutral and polar, at codon 1136 of the SORL1 protein (p.Tyr1136Asn). This variant is not present in population databases (gnomAD no frequency). This variant has not been reported in the literature in individuals affected with SORL1-related conditions. An algorithm developed to predict the effect of missense changes on protein structure and function (PolyPhen-2) suggests that this variant is likely to be disruptive. In summary, the available evidence is currently insufficient to determine the role of this variant in disease. Therefore, it has been classified as a Variant of Uncertain Significance.